The following is an entry in ClinVar:

NM_005732.4(RAD50):c.197T>C (p.Phe66Ser)

Gene: RAD50 (RAD50 double strand break repair protein; plus strand). Cytogenetic location: 5q31.1.
Variant type: single nucleotide variant.
Coding change: c.197T>C on transcript NM_005732.4 (MANE Select); coding-DNA position 197, T replaced by C.
Protein change: p.Phe66Ser; replaces phenylalanine 66 with serine.
Molecular consequence: missense variant.
Genome position (GRCh38, 1-based): chr5:132,559,351, T>C. VCF-style: chr5-132559351-T-C. GRCh37 (hg19) VCF-style: chr5-131895043-T-C.
Other names: short protein forms F66S.
Identifiers: ClinVar variation 1045078 (VCV001045078.12), dbSNP rs761221487, ClinGen allele CA360953721.

ClinVar aggregate classification (germline): Uncertain significance. Review status: criteria provided, multiple submitters, no conflicts (2 of 4 stars). 2 submissions from 2 submitters: Uncertain significance (2). Last evaluated 2025-11-03.

Conditions:
Hereditary cancer-predisposing syndrome. Also called: Hereditary Cancer Syndrome; Tumor predisposition; Hereditary neoplastic syndrome; Neoplastic Syndromes, Hereditary. Identifiers: Orphanet 140162, MedGen C0027672, MeSH D009386, MONDO:0015356.

Submissions (2):

Ambry Genetics
Classification: Uncertain significance for Hereditary cancer-predisposing syndrome. Last evaluated: 2025-11-03. Review status: criteria provided, single submitter. Criteria: Ambry Variant Classification Scheme 2023. Collection method: clinical testing. Allele origin: germline.
Comment: The p.F66S variant (also known as c.197T>C), located in coding exon 2 of the RAD50 gene, results from a T to C substitution at nucleotide position 197. The phenylalanine at codon 66 is replaced by serine, an amino acid with highly dissimilar properties. This amino acid position is conserved. In addition, this alteration is predicted to be deleterious by in silico analysis. Since supporting evidence is limited at this time, the clinical significance of this alteration remains unclear.

Labcorp Genetics (formerly Invitae), Labcorp
Classification: Uncertain significance for Hereditary cancer-predisposing syndrome. Last evaluated: 2020-02-04. Review status: criteria provided, single submitter. Criteria: Invitae Variant Classification Sherloc (09022015). Collection method: clinical testing. Allele origin: germline.
Comment: Algorithms developed to predict the effect of missense changes on protein structure and function are either unavailable or do not agree on the potential impact of this missense change (SIFT: "Deleterious"; PolyPhen-2: "Probably Damaging"; Align-GVGD: "Class C0"). In summary, the available evidence is currently insufficient to determine the role of this variant in disease. Therefore, it has been classified as a Variant of Uncertain Significance. This sequence change replaces phenylalanine with serine at codon 66 of the RAD50 protein (p.Phe66Ser). The phenylalanine residue is highly conserved and there is a large physicochemical difference between phenylalanine and serine. This variant is not present in population databases (ExAC no frequency). This variant has not been reported in the literature in individuals with RAD50-related conditions.